The following is an entry in ClinVar:

ClinVar aggregate classification (germline): Uncertain significance. Review status: criteria provided, multiple submitters, no conflicts (2 of 4 stars). 2 submissions from 2 submitters: Uncertain significance (2). Last evaluated 2025-08-08.

Conditions:
Inborn genetic diseases. Identifiers: MedGen C0950123, MeSH D030342.
Inflammatory skin and bowel disease, neonatal, 1. Identifiers: Orphanet 294023, MedGen C3280501, MONDO:0013693, OMIM 614328.

Allele frequency attached by ClinVar (database versions not stated): gnomAD exomes 0.00001 and 0.00003; ExAC 0.00002; gnomAD 0.00006; ESP Exome Variant Server 0.00015; TOPMed 0.00015; 1000 Genomes Project 30x 0.00016; 1000 Genomes Project 0.00020.
gnomAD v4.1: 18 of 1,614,172 alleles (0.0011%); highest among the groups gnomAD compares: African/African-American, 0.012%; no homozygotes.

Submissions (2):

Ambry Genetics
Classification: Uncertain significance for Inborn genetic diseases. Last evaluated: 2025-08-08. Review status: criteria provided, single submitter. Criteria: Ambry Variant Classification Scheme 2023. Collection method: clinical testing. Allele origin: germline.

Labcorp Genetics (formerly Invitae), Labcorp
Classification: Uncertain significance for Inflammatory skin and bowel disease, neonatal, 1. Last evaluated: 2024-02-05. Review status: criteria provided, single submitter. Criteria: Invitae Variant Classification Sherloc (09022015). Collection method: clinical testing. Allele origin: germline.
Comment: This sequence change replaces isoleucine, which is neutral and non-polar, with valine, which is neutral and non-polar, at codon 458 of the ADAM17 protein (p.Ile458Val). This variant is present in population databases (rs143293318, gnomAD 0.03%). This variant has not been reported in the literature in individuals affected with ADAM17-related conditions. ClinVar contains an entry for this variant (Variation ID: 850033). An algorithm developed to predict the effect of missense changes on protein structure and function (PolyPhen-2) suggests that this variant¬†is likely to be tolerated. In summary, the available evidence is currently insufficient to determine the role of this variant in disease. Therefore, it has been classified as a Variant of Uncertain Significance.

NM_003183.6(ADAM17):c.1372A>G (p.Ile458Val)

Genes: ADAM17 (ADAM metallopeptidase domain 17; minus strand), IAH1 (isoamyl acetate hydrolyzing esterase 1 (putative); plus strand). Cytogenetic location: 2p25.1.
Variant type: single nucleotide variant.
Coding change: c.1372A>G on transcript NM_003183.6 (MANE Select); coding-DNA position 1372, A replaced by G.
Protein change: p.Ile458Val; replaces isoleucine 458 with valine.
Molecular consequence: missense variant.
Genome position (GRCh38, 1-based): chr2:9,505,338, T>C on the plus strand (A>G on the coding strand, the complement: ADAM17 is on the minus strand). VCF-style: chr2-9505338-T-C. GRCh37 (hg19) VCF-style: chr2-9645467-T-C.
Other names: c.1372A>G (NM_003183.4); short protein forms I458V.
Identifiers: ClinVar variation 850033 (VCV000850033.9), dbSNP rs143293318, ClinGen allele CA1523508.